The following is an entry in ClinVar:

ClinVar aggregate classification (germline): Uncertain significance. Review status: criteria provided, multiple submitters, no conflicts (2 of 4 stars). 2 submissions from 2 submitters: Uncertain significance (2). Last evaluated 2025-09-11.

Conditions:
Inborn genetic diseases. Identifiers: MedGen C0950123, MeSH D030342.

Allele frequency attached by ClinVar (database versions not stated): TOPMed below 0.00001; gnomAD 0.00001; gnomAD exomes 0.00001.

Submissions (2):

Ambry Genetics
Classification: Uncertain significance for Inborn genetic diseases. Last evaluated: 2025-09-11. Review status: criteria provided, single submitter. Criteria: Ambry Variant Classification Scheme 2023. Collection method: clinical testing. Allele origin: germline.

Labcorp Genetics (formerly Invitae), Labcorp
Classification: Uncertain significance. Last evaluated: 2022-07-19. Review status: criteria provided, single submitter. Criteria: Invitae Variant Classification Sherloc (09022015). Collection method: clinical testing. Allele origin: germline.
Comment: This sequence change replaces methionine, which is neutral and non-polar, with isoleucine, which is neutral and non-polar, at codon 134 of the ACAD9 protein (p.Met134Ile). This variant is present in population databases (no rsID available, gnomAD 0.007%). This variant has not been reported in the literature in individuals affected with ACAD9-related conditions. Advanced modeling of protein sequence and biophysical properties (such as structural, functional, and spatial information, amino acid conservation, physicochemical variation, residue mobility, and thermodynamic stability) performed at Invitae indicates that this missense variant is not expected to disrupt ACAD9 protein function. In summary, the available evidence is currently insufficient to determine the role of this variant in disease. Therefore, it has been classified as a Variant of Uncertain Significance.

NM_014049.5(ACAD9):c.402G>A (p.Met134Ile)

Gene: ACAD9 (acyl-CoA dehydrogenase family member 9; plus strand). Cytogenetic location: 3q21.3.
Variant type: single nucleotide variant.
Coding change: c.402G>A on transcript NM_014049.5 (MANE Select); coding-DNA position 402, G replaced by A.
Protein change: p.Met134Ile; replaces methionine 134 with isoleucine.
Molecular consequence: missense variant. On other transcripts: non-coding transcript variant (1).
Genome position (GRCh38, 1-based): chr3:128,895,365, G>A. VCF-style: chr3-128895365-G-A. GRCh37 (hg19) VCF-style: chr3-128614208-G-A.
Other names: c.33G>A, p.Met11Ile (NM_001410805.1); c.402G>A (NM_014049.4); short protein forms M11I, M134I.
Identifiers: ClinVar variation 2190132 (VCV002190132.2), dbSNP rs1304343334, ClinGen allele CA354433184.